The following is an entry in ClinVar:

NM_005732.4(RAD50):c.2944A>C (p.Lys982Gln)

Gene: RAD50 (RAD50 double strand break repair protein; plus strand). Cytogenetic location: 5q31.1.
Variant type: single nucleotide variant.
Coding change: c.2944A>C on transcript NM_005732.4 (MANE Select); coding-DNA position 2944, A replaced by C.
Protein change: p.Lys982Gln; replaces lysine 982 with glutamine.
Molecular consequence: missense variant.
Genome position (GRCh38, 1-based): chr5:132,609,304, A>C. VCF-style: chr5-132609304-A-C. GRCh37 (hg19) VCF-style: chr5-131944996-A-C.
Other names: short protein forms K982Q.
Identifiers: ClinVar variation 1797949 (VCV001797949.2), dbSNP rs1581004859, ClinGen allele CA360960338.
Genomic context (GRCh38, chr5:132,609,304, plus strand): 5'-ATTTTTATTCATGTGCTTAAAGAATTTTCTTTTTTGTAGCAAAAAGAAACTGAACTTAAT[A>C]AAGTAATAGCTCAACTAAGTGAATGCGAGAAACACAAAGAAAAGATAAATGAAGATATGA-3'
Protein context (NP_005723.2, residues 972-992): YKKQKETELN[Lys982Gln]VIAQLSECEK

ClinVar aggregate classification (germline): Uncertain significance (1 of 4 stars; one submission).

Conditions:
Hereditary cancer-predisposing syndrome. Also called: Neoplastic Syndromes, Hereditary; Tumor predisposition; Hereditary Cancer Syndrome; Hereditary neoplastic syndrome. Identifiers: Orphanet 140162, MedGen C0027672, MeSH D009386, MONDO:0015356.

Submission:

Ambry Genetics
Classification: Uncertain significance for Hereditary cancer-predisposing syndrome. Last evaluated: 2022-02-12. Review status: criteria provided, single submitter. Criteria: Ambry Variant Classification Scheme 2023. Collection method: clinical testing. Allele origin: germline.
Comment: The p.K982Q variant (also known as c.2944A>C), located in coding exon 19 of the RAD50 gene, results from an A to C substitution at nucleotide position 2944. The lysine at codon 982 is replaced by glutamine, an amino acid with similar properties. This amino acid position is conserved. In addition, this alteration is predicted to be tolerated by in silico analysis. Since supporting evidence is limited at this time, the clinical significance of this alteration remains unclear.